The following is an entry in ClinVar:

ClinVar aggregate classification (germline): Uncertain significance. Review status: criteria provided, multiple submitters, no conflicts (2 of 4 stars). 2 submissions from 2 submitters: Uncertain significance (2). Last evaluated 2026-02-24.

Conditions:
Brain small vessel disease 2B, autosomal recessive. Identifiers: MedGen C6065929, MONDO:0980747, OMIM 621414.
Brain small vessel disease 2A, autosomal dominant. Also called: Porencephaly 2. Identifiers: Orphanet 2940, Orphanet 99810, MedGen C3280970, MONDO:0013773, OMIM 614483.

Allele frequency attached by ClinVar (database versions not stated): TOPMed below 0.00001; gnomAD 0.00001.
gnomAD v4.1: 3 of 1,552,480 alleles (0.00019%); highest among the groups gnomAD compares: Non-Finnish European, 0.00026%; no homozygotes.

Submissions (2):

Clinical Genomics Laboratory, Washington University in St. Louis
Classification: Uncertain significance for Brain small vessel disease 2A, autosomal dominant; Brain small vessel disease 2B, autosomal recessive. Last evaluated: 2026-02-24. Review status: criteria provided, single submitter. Criteria: ACMG Guidelines, 2015. Collection method: clinical testing. Allele origin: germline.
Comment: The COL4A2 c.2425+3G>A variant, to our knowledge, has not been reported in the medical literature but has been reported as a germline variant of uncertain significance in ClinVar. This variant is only observed in 3/1,552,480 alleles in the general population (gnomAD v4.1.0), indicating it is not a common variant. Computational predictors indicate that the variant has no impact on splicing, evidence that this variant does not have a damaging effect on COL4A2 function. SpliceVault indicates exon 29 is normally skipped at low levels (Dawes R et al., PMID: 36747048). Due to limited information, and based on ACMG/AMP guidelines for variant interpretation (Richards S et al., PMID: 25741868), the clinical significance of this variant is uncertain at this time.

Labcorp Genetics (formerly Invitae), Labcorp
Classification: Uncertain significance. Last evaluated: 2023-04-24. Review status: criteria provided, single submitter. Criteria: Invitae Variant Classification Sherloc (09022015). Collection method: clinical testing. Allele origin: germline.
Comment: In summary, the available evidence is currently insufficient to determine the role of this variant in disease. Therefore, it has been classified as a Variant of Uncertain Significance. This sequence change falls in intron 29 of the COL4A2 gene. It does not directly change the encoded amino acid sequence of the COL4A2 protein. It affects a nucleotide within the consensus splice site. The frequency data for this variant in the population databases is considered unreliable, as metrics indicate poor data quality at this position in the gnomAD database. This variant has not been reported in the literature in individuals affected with COL4A2-related conditions. ClinVar contains an entry for this variant (Variation ID: 1937185). Variants that disrupt the consensus splice site are a relatively common cause of aberrant splicing (PMID: 17576681, 9536098). Algorithms developed to predict the effect of sequence changes on RNA splicing suggest that this variant is not likely to affect RNA splicing.

Literature cited by the submitters: PubMed 17576681 (cited by Labcorp Genetics (formerly Invitae), Labcorp); PubMed 9536098 (cited by Labcorp Genetics (formerly Invitae), Labcorp).

NM_001846.4(COL4A2):c.2425+3G>A

Gene: COL4A2 (collagen type IV alpha 2 chain; plus strand). Cytogenetic location: 13q34.
Variant type: single nucleotide variant.
Coding change: c.2425+3G>A on transcript NM_001846.4 (MANE Select); 3 bases into the intron after coding-DNA position 2425, G replaced by A.
Molecular consequence: intron variant.
Genome position (GRCh38, 1-based): chr13:110,473,153, G>A. VCF-style: chr13-110473153-G-A. GRCh37 (hg19) VCF-style: chr13-111125500-G-A.
Identifiers: ClinVar variation 1937185 (VCV001937185.6), dbSNP rs1218356969, ClinGen allele CA612866655.
Genomic context (GRCh38, chr13:110,473,153, plus strand): 5'-CCTGGACAGCCTGGGCTTAAAGGCCTTCCCGGAGACAGAGGCCCCCCTGGATTCAGAGGT[G>A]AGTGCCCCATCGGGGAGCCGGGGGCCCCATCCCAGATGCACAGTGGCCTCCAAGGGCGAC-3'